The following is an entry in ClinVar:

NM_001374736.1(DST):c.18308G>A (p.Gly6103Glu)

Gene: DST (dystonin; minus strand). Cytogenetic location: 6p12.1.
Variant type: single nucleotide variant.
Coding change: c.18308G>A on transcript NM_001374736.1 (MANE Select); coding-DNA position 18308, G replaced by A.
Protein change: p.Gly6103Glu; replaces glycine 6103 with glutamic acid.
Molecular consequence: missense variant.
Genome position (GRCh38, 1-based): chr6:56,517,247, C>T on the plus strand (G>A on the coding strand, the complement: DST is on the minus strand). VCF-style: chr6-56517247-C-T. GRCh37 (hg19) VCF-style: chr6-56382045-C-T.
Other names: c.11951G>A, p.Gly3984Glu (NM_001144769.5); c.11537G>A, p.Gly3846Glu (NM_001144770.2); c.18308G>A, p.Gly6103Glu (NM_001374722.1); c.17348G>A, p.Gly5783Glu (NM_001374729.1); c.11090G>A, p.Gly3697Glu (NM_001374730.1); c.18335G>A, p.Gly6112Glu (NM_001374734.1); c.11417G>A, p.Gly3806Glu (NM_001386100.1, NM_183380.4); c.10439G>A, p.Gly3480Glu (NM_015548.5); short protein forms G3480E, G3806E, G6103E, G3697E, G3846E, G3984E, G5783E, G6112E.
Identifiers: ClinVar variation 2929903 (VCV002929903.3), dbSNP rs1293446568, ClinGen allele CA364504037.
Genomic context (GRCh38, chr6:56,517,247, plus strand): 5'-CAAGATTATACCTTCATTGATTGCTTTTCCTCTTCACTGCATGCGGTCATGATTTTATGC[C>T]CAGATTTAACAAGGTCATCAATAATATCCTTGTGTCTCAAAATCTCCATGGTGAATGTCT-3'
Protein context (NP_001361665.1, residues 6093-6113): KDIIDDLVKS[Gly6103Glu]HKIMTACSEE

ClinVar aggregate classification (germline): Uncertain significance (1 of 4 stars; one submission).

Conditions:
Hereditary sensory and autonomic neuropathy type 6. Also called: HSAN VI; Neuropathy, hereditary sensory and autonomic, type VI. Identifiers: Orphanet 314381, MedGen C3539003, MONDO:0013839, OMIM 614653.
Epidermolysis bullosa simplex 3, localized or generalized intermediate, with BP230 deficiency (EBS3). Also called: Epidermolysis bullosa simplex, autosomal recessive 2; Epidermolysis bullosa simplex due to BP230 deficiency. Identifiers: Orphanet 412181, MedGen C3809470, MONDO:0014180, OMIM 615425.

Allele frequency attached by ClinVar (database versions not stated): gnomAD exomes below 0.00001.
gnomAD v4.1: 3 of 1,612,962 alleles (0.00019%); highest among the groups gnomAD compares: Middle Eastern, 0.017%; no homozygotes.

Submission:

Labcorp Genetics (formerly Invitae), Labcorp
Classification: Uncertain significance for Epidermolysis bullosa simplex 3, localized or generalized intermediate, with BP230 deficiency; Hereditary sensory and autonomic neuropathy type 6. Last evaluated: 2023-03-26. Review status: criteria provided, single submitter. Criteria: Invitae Variant Classification Sherloc (09022015). Collection method: clinical testing. Allele origin: germline.
Comment: This variant has not been reported in the literature in individuals affected with DST-related conditions. This variant is present in population databases (no rsID available, gnomAD 0.0009%). This sequence change replaces glycine, which is neutral and non-polar, with glutamic acid, which is acidic and polar, at codon 3480 of the DST protein (p.Gly3480Glu). The DST gene has multiple clinically relevant transcripts. This variant occurs in alternate transcript NM_015548.4, and corresponds to NM_001723.5:c.*98270G>A in the primary transcript. Experimental studies and prediction algorithms are not available or were not evaluated, and the functional significance of this variant is currently unknown. In summary, the available evidence is currently insufficient to determine the role of this variant in disease. Therefore, it has been classified as a Variant of Uncertain Significance.